The following is an entry in ClinVar:

NM_000038.6(APC):c.499A>T (p.Lys167Ter)

Gene: APC (APC regulator of Wnt signaling pathway; plus strand). Cytogenetic location: 5q22.2.
Variant type: single nucleotide variant.
Coding change: c.499A>T on transcript NM_000038.6 (MANE Select); coding-DNA position 499, A replaced by T.
Protein change: p.Lys167Ter; replaces lysine 167 with a stop codon.
Molecular consequence: nonsense. On other transcripts: 5 prime UTR variant (4), non-coding transcript variant (2).
Genome position (GRCh38, 1-based): chr5:112,775,705, A>T. VCF-style: chr5-112775705-A-T. GRCh37 (hg19) VCF-style: chr5-112111402-A-T.
Other names: c.499A>T, p.Lys167Ter (NM_001127510.3, NM_001354895.2, NM_001354896.2 and 16 more transcripts); c.529A>T, p.Lys177Ter (NM_001127511.3, NM_001354897.2, NM_001354902.2 and 1 more transcripts); c.424A>T, p.Lys142Ter (NM_001354898.2, NM_001354904.2, NM_001407451.1); c.322A>T, p.Lys108Ter (NM_001354900.2, NM_001354901.2, NM_001354905.2 and 1 more transcripts); c.-537A>T (NM_001354906.2, NM_001407470.1, NM_001407471.1 and 1 more transcripts); short protein forms K108*, K142*, K167*, K177*.
Identifiers: ClinVar variation 3895933 (VCV003895933.1).

ClinVar aggregate classification (germline): Pathogenic (1 of 4 stars; one submission).

Conditions:
Familial multiple polyposis syndrome (FAP). Also called: Familial polyposis; Classic familial adenomatous polyposis; Familial adenomatous polyposis; Familial intestinal polyposis; Familial Adenomatous Polyposis (FAP). Identifiers: Orphanet 733, MedGen C0032580, MONDO:0021055. Disease mechanism: loss of function.

Submission:

Women's Health and Genetics/Laboratory Corporation of America, LabCorp
Classification: Pathogenic for Familial multiple polyposis syndrome. Last evaluated: 2025-03-26. Review status: criteria provided, single submitter. Criteria: LabCorp Variant Classification Summary - May 2015. Collection method: clinical testing. Allele origin: germline.
Comment: Variant summary: APC c.499A>T (p.Lys167X) results in a premature termination codon, predicted to cause a truncation of the encoded protein or absence of the protein due to nonsense mediated decay, which are commonly known mechanisms for disease. The variant was absent in 242340 control chromosomes (gnomAD). To our knowledge, no occurrence of c.499A>T in individuals affected with Familial Adenomatous Polyposis and no experimental evidence demonstrating its impact on protein function have been reported. No submitters have cited clinical-significance assessments for this variant to ClinVar. Based on the evidence outlined above, the variant was classified as pathogenic.